The following is an entry in ClinVar:

NM_018557.3(LRP1B):c.12948C>T (p.Thr4316=)

Gene: LRP1B (LDL receptor related protein 1B; minus strand). Cytogenetic location: 2q22.1.
Variant type: single nucleotide variant.
Coding change: c.12948C>T on transcript NM_018557.3 (MANE Select); coding-DNA position 12948, C replaced by T.
Protein change: p.Thr4316=; no amino-acid change (threonine 4316 retained).
Molecular consequence: synonymous variant.
Genome position (GRCh38, 1-based): chr2:140,297,827, G>A on the plus strand (C>T on the coding strand, the complement: LRP1B is on the minus strand). VCF-style: chr2-140297827-G-A. GRCh37 (hg19) VCF-style: chr2-141055396-G-A.
Identifiers: ClinVar variation 5038541 (VCV005038541.1).

ClinVar aggregate classification (germline): Likely benign (1 of 4 stars; one submission).

gnomAD v4.1: 568 of 1,613,488 alleles (0.035%); highest among the groups gnomAD compares: South Asian, 0.15%; 2 homozygotes.

Submission:

CeGaT Center for Human Genetics Tuebingen
Classification: Likely benign. Last evaluated: 2026-06-01. Review status: criteria provided, single submitter. Criteria: CeGaT Center For Human Genetics Tuebingen Variant Classification Criteria Version 2. Collection method: clinical testing. Allele origin: germline. Affected: yes. Observed: 1 variant allele.
Comment: LRP1B: BP4, BP7